The following is an entry in ClinVar:

NM_004453.4(ETFDH):c.443_446dup (p.Ile149fs)

Gene: ETFDH (electron transfer flavoprotein dehydrogenase; plus strand). Cytogenetic location: 4q32.1.
Variant type: Duplication.
Coding change: c.443_446dup on transcript NM_004453.4 (MANE Select); coding-DNA positions 443 to 446, 4 bases duplicated (GAAT; older notation c.443_446dupGAAT).
Protein change: p.Ile149fs; shifts the reading frame from isoleucine 149.
Molecular consequence: frameshift variant.
Genome position (GRCh38, 1-based): chr4:158,684,629-158,684,632, GAAT duplicated. VCF-style (leftmost placement, unchanged base first): chr4-158684628-G-GGAAT. GRCh37 (hg19) VCF-style: chr4-159605780-G-GGAAT.
Other names: c.302_305dup, p.Ile102fs (NM_001281737.2); c.260_263dup, p.Ile88fs (NM_001281738.1); short protein forms I88fs, I149fs, I102fs.
Identifiers: ClinVar variation 959712 (VCV000959712.8), dbSNP rs1773954366, ClinGen allele CA1139658685.

ClinVar aggregate classification (germline): Pathogenic (1 of 4 stars; one submission).

Conditions:
Multiple acyl-CoA dehydrogenase deficiency (MADD). Also called: Glutaric Acidemia type 2; Glutaric acidemia type II; GA 2; ETHYLMALONIC-ADIPICACIDURIA; GA II; Glutaric aciduria, type 2. Identifiers: Orphanet 26791, MedGen C0268596, MONDO:0009282, OMIM 231680.

Submission:

Labcorp Genetics (formerly Invitae), Labcorp
Classification: Pathogenic for Multiple acyl-CoA dehydrogenase deficiency. Last evaluated: 2019-08-01. Review status: criteria provided, single submitter. Criteria: Invitae Variant Classification Sherloc (09022015). Collection method: clinical testing. Allele origin: germline.
Comment: For these reasons, this variant has been classified as Pathogenic. Loss-of-function variants in ETFDH are known to be pathogenic (PMID: 16510302, 23785301). This variant has not been reported in the literature in individuals with ETFDH-related conditions. This variant is not present in population databases (ExAC no frequency). This sequence change creates a premature translational stop signal (p.Ile149Metfs*21) in the ETFDH gene. It is expected to result in an absent or disrupted protein product.

Literature cited by the submitters: PubMed 16510302; PubMed 23785301.